The following is an entry in ClinVar:

NM_001127208.3(TET2):c.3337G>A (p.Asp1113Asn)

Genes: TET2 (tet methylcytosine dioxygenase 2; plus strand), TET2-AS1 (TET2 antisense RNA 1; minus strand). Cytogenetic location: 4q24.
Variant type: single nucleotide variant.
Coding change: c.3337G>A on transcript NM_001127208.3 (MANE Select); coding-DNA position 3337, G replaced by A.
Protein change: p.Asp1113Asn; replaces aspartic acid 1113 with asparagine.
Molecular consequence: missense variant.
Genome position (GRCh38, 1-based): chr4:105,237,279, G>A. VCF-style: chr4-105237279-G-A. GRCh37 (hg19) VCF-style: chr4-106158436-G-A.
Other names: c.3337G>A, p.Asp1113Asn (NM_017628.4); short protein forms D1113N.
Identifiers: ClinVar variation 4807132 (VCV004807132.1).

ClinVar aggregate classification (germline): Uncertain significance (1 of 4 stars; one submission).

gnomAD v4.1: 11 of 1,613,914 alleles (0.00068%); highest among the groups gnomAD compares: African/African-American, 0.015%; no homozygotes.

Submission:

Labcorp Genetics (formerly Invitae), Labcorp
Classification: Uncertain significance. Last evaluated: 2025-11-26. Review status: criteria provided, single submitter. Criteria: Invitae Variant Classification Sherloc (09022015). Collection method: clinical testing. Allele origin: germline.
Comment: This sequence change replaces aspartic acid, which is acidic and polar, with asparagine, which is neutral and polar, at codon 1113 of the TET2 protein (p.Asp1113Asn). This variant is present in population databases (rs140437060, gnomAD 0.03%). This variant has not been reported in the literature in individuals affected with TET2-related conditions. An algorithm developed to predict the effect of missense changes on protein structure and function (PolyPhen-2) suggests that this variant is likely to be tolerated. In summary, the available evidence is currently insufficient to determine the role of this variant in disease. Therefore, it has been classified as a Variant of Uncertain Significance.